The following is an entry in ClinVar:

NC_000016.9:g.(?_188129)_(188266_?)del

Gene: NPRL3 (NPR3 like, GATOR1 complex subunit; minus strand). Cytogenetic location: 16p13.3.
Variant type: Deletion.
Identifiers: ClinVar variation 2423612 (VCV002423612.3).

ClinVar aggregate classification (germline): Pathogenic (1 of 4 stars; one submission).

Conditions:
Epilepsy, familial focal, with variable foci 3 (FFEVF3). Identifiers: MedGen C4310708, MONDO:0014925, OMIM 617118.

Submission:

Labcorp Genetics (formerly Invitae), Labcorp
Classification: Pathogenic for Epilepsy, familial focal, with variable foci 3. Last evaluated: 2022-09-19. Review status: criteria provided, single submitter. Criteria: Invitae Variant Classification Sherloc (09022015). Collection method: clinical testing. Allele origin: germline.
Comment: This variant is a gross deletion of the genomic region encompassing exon(s) 2 of the NPRL3 gene, which includes the initiator codon. This deletion extends beyond the assayed region for this gene and therefore may encompass additional genes. It is expected to result in an absent or disrupted protein product. Loss-of-function variants in NPRL3 are known to be pathogenic (PMID: 26285051, 26505888). This variant has not been reported in the literature in individuals affected with NPRL3-related conditions. For these reasons, this variant has been classified as Pathogenic.

Literature cited by the submitters: PubMed 26285051; PubMed 26505888.